The following is an entry in ClinVar:

ClinVar aggregate classification (germline): Uncertain significance. Review status: criteria provided, multiple submitters, no conflicts (2 of 4 stars). 2 submissions from 2 submitters: Uncertain significance (2). Last evaluated 2025-10-24.

Conditions:
Inborn genetic diseases. Identifiers: MedGen C0950123, MeSH D030342.
Adams-Oliver syndrome 4 (AOS4). Identifiers: Orphanet 974, MedGen C3809092, MONDO:0014124, OMIM 615297.

Allele frequency attached by ClinVar (database versions not stated): TOPMed 0.00001; gnomAD 0.00002; ExAC 0.00002.
gnomAD v4.1: 14 of 1,612,966 alleles (0.00087%); highest among the groups gnomAD compares: Admixed American, 0.005%; no homozygotes.

Submissions (2):

Ambry Genetics
Classification: Uncertain significance for Inborn genetic diseases. Last evaluated: 2025-10-24. Review status: criteria provided, single submitter. Criteria: Ambry Variant Classification Scheme 2023. Collection method: clinical testing. Allele origin: germline.

Labcorp Genetics (formerly Invitae), Labcorp
Classification: Uncertain significance for Adams-Oliver syndrome 4. Last evaluated: 2022-08-09. Review status: criteria provided, single submitter. Criteria: Invitae Variant Classification Sherloc (09022015). Collection method: clinical testing. Allele origin: germline.
Comment: In summary, the available evidence is currently insufficient to determine the role of this variant in disease. Therefore, it has been classified as a Variant of Uncertain Significance. Algorithms developed to predict the effect of missense changes on protein structure and function output the following: SIFT: "Tolerated"; PolyPhen-2: "Benign"; Align-GVGD: "Class C0". The valine amino acid residue is found in multiple mammalian species, which suggests that this missense change does not adversely affect protein function. This variant has not been reported in the literature in individuals affected with EOGT-related conditions. This variant is present in population databases (rs775338549, gnomAD 0.002%). This sequence change replaces isoleucine, which is neutral and non-polar, with valine, which is neutral and non-polar, at codon 382 of the EOGT protein (p.Ile382Val).

NM_001278689.2(EOGT):c.1396A>G (p.Ile466Val)

Gene: EOGT (EGF domain specific O-linked N-acetylglucosamine transferase; minus strand). Cytogenetic location: 3p14.1.
Variant type: single nucleotide variant.
Coding change: c.1396A>G on transcript NM_001278689.2 (MANE Select); coding-DNA position 1396, A replaced by G.
Protein change: p.Ile466Val; replaces isoleucine 466 with valine.
Molecular consequence: missense variant. On other transcripts: non-coding transcript variant (1).
Genome position (GRCh38, 1-based): chr3:68,978,374, T>C on the plus strand (A>G on the coding strand, the complement: EOGT is on the minus strand). VCF-style: chr3-68978374-T-C. GRCh37 (hg19) VCF-style: chr3-69027525-T-C.
Other names: c.1144A>G, p.Ile382Val (NM_173654.3); c.1144A>G (NM_173654.1); short protein forms I382V, I466V.
Identifiers: ClinVar variation 2082730 (VCV002082730.3), dbSNP rs775338549, ClinGen allele CA2486609.